The following is an entry in ClinVar:

ClinVar aggregate classification (germline): Conflicting classifications of pathogenicity. Review status: criteria provided, conflicting classifications (1 of 4 stars). 5 submissions from 5 submitters: Uncertain significance (4); Benign (1). Last evaluated 2026-01-04.

Conditions:
Melanoma, uveal, susceptibility to, 2 (UVM2). Also called: Melanoma, uveal 2. Identifiers: Orphanet 39044, MedGen C1847723, MONDO:0011696, OMIM 606661.
Kury-Isidor syndrome (KURIS). Identifiers: MedGen C5676925, MONDO:0859230, OMIM 619762.
BAP1-related tumor predisposition syndrome (TPDS1). Also called: BAP1 tumor predisposition syndrome; Tumor susceptibility linked to germline BAP1 mutations; COMMON Syndrome; TUMOR PREDISPOSITION SYNDROME 1. Identifiers: Orphanet 289539, MedGen C3280492, MONDO:0013692, OMIM 614327.
Hereditary cancer-predisposing syndrome. Also called: Hereditary Cancer Syndrome; Hereditary neoplastic syndrome; Tumor predisposition; Neoplastic Syndromes, Hereditary. Identifiers: Orphanet 140162, MedGen C0027672, MeSH D009386, MONDO:0015356.

Allele frequency attached by ClinVar (database versions not stated): gnomAD 0.00001; gnomAD exomes 0.00001.

Submissions (5):

Labcorp Genetics (formerly Invitae), Labcorp
Classification: Uncertain significance for BAP1-related tumor predisposition syndrome. Last evaluated: 2026-01-04. Review status: criteria provided, single submitter. Criteria: Invitae Variant Classification Sherloc (09022015). Collection method: clinical testing. Allele origin: germline.
Comment: This sequence change replaces arginine, which is basic and polar, with tryptophan, which is neutral and slightly polar, at codon 163 of the BAP1 protein (p.Arg163Trp). This variant is present in population databases (no rsID available, gnomAD 0.01%). This variant has not been reported in the literature in individuals affected with BAP1-related conditions. ClinVar contains an entry for this variant (Variation ID: 841611). Invitae Evidence Modeling of protein sequence and biophysical properties (such as structural, functional, and spatial information, amino acid conservation, physicochemical variation, residue mobility, and thermodynamic stability) indicates that this missense variant is expected to disrupt BAP1 protein function with a positive predictive value of 80%. In summary, the available evidence is currently insufficient to determine the role of this variant in disease. Therefore, it has been classified as a Variant of Uncertain Significance.

Center for Genomic Medicine, Rigshospitalet, Copenhagen University Hospital
Classification: Uncertain significance. Last evaluated: 2025-03-04. Review status: criteria provided, single submitter. Criteria: ACMG Guidelines, 2015. Collection method: clinical testing. Allele origin: germline.

Ambry Genetics
Classification: Benign for Hereditary cancer-predisposing syndrome. Last evaluated: 2024-12-11. Review status: criteria provided, single submitter. Criteria: Ambry Variant Classification Scheme 2023. Collection method: clinical testing. Allele origin: germline.

Department of Pathology and Laboratory Medicine, Sinai Health System
Classification: Uncertain significance for Melanoma, uveal, susceptibility to, 2; BAP1-related tumor predisposition syndrome; Kury-Isidor syndrome. Last evaluated: 2022-01-19. Review status: criteria provided, single submitter. Criteria: ACMG Guidelines, 2015. Collection method: clinical testing. Allele origin: germline. Affected: yes.

Color Diagnostics, LLC DBA Color Health
Classification: Uncertain significance for Hereditary cancer-predisposing syndrome. Last evaluated: 2021-12-12. Review status: criteria provided, single submitter. Criteria: ACMG Guidelines, 2015. Collection method: clinical testing. Allele origin: germline.
Comment: This missense variant replaces arginine with tryptophan at codon 163 of the BAP1 protein. Computational prediction suggests that this variant may not impact protein structure and function (internally defined REVEL score threshold <= 0.5, PMID: 27666373). To our knowledge, functional studies have not been reported for this variant. This variant has not been reported in individuals affected with hereditary cancer in the literature. This variant has been identified in 3/282828 chromosomes in the general population by the Genome Aggregation Database (gnomAD). The available evidence is insufficient to determine the role of this variant in disease conclusively. Therefore, this variant is classified as a Variant of Uncertain Significance.

Literature cited by the submitters: PubMed 38969833 (cited by Ambry Genetics).

NM_004656.4(BAP1):c.487C>T (p.Arg163Trp)

Gene: BAP1 (BRCA1 associated deubiquitinase 1; minus strand). Cytogenetic location: 3p21.1.
Variant type: single nucleotide variant.
Coding change: c.487C>T on transcript NM_004656.4 (MANE Select); coding-DNA position 487, C replaced by T.
Protein change: p.Arg163Trp; replaces arginine 163 with tryptophan.
Molecular consequence: missense variant.
Genome position (GRCh38, 1-based): chr3:52,407,267, G>A on the plus strand (C>T on the coding strand, the complement: BAP1 is on the minus strand). VCF-style: chr3-52407267-G-A. GRCh37 (hg19) VCF-style: chr3-52441283-G-A.
Other names: c.487C>T (NM_004656.2); short protein forms R163W.
Identifiers: ClinVar variation 841611 (VCV000841611.12), dbSNP rs1385279115, ClinGen allele CA353110127.